The following is an entry in ClinVar:

NM_013275.6(ANKRD11):c.1852G>A (p.Ala618Thr)

Gene: ANKRD11 (ankyrin repeat domain 11; minus strand). Cytogenetic location: 16q24.3.
Variant type: single nucleotide variant.
Coding change: c.1852G>A on transcript NM_013275.6 (MANE Select); coding-DNA position 1852, G replaced by A.
Protein change: p.Ala618Thr; replaces alanine 618 with threonine.
Molecular consequence: missense variant.
Genome position (GRCh38, 1-based): chr16:89,284,690, C>T on the plus strand (G>A on the coding strand, the complement: ANKRD11 is on the minus strand). VCF-style: chr16-89284690-C-T. GRCh37 (hg19) VCF-style: chr16-89351098-C-T.
Other names: c.1852G>A, p.Ala618Thr (NM_001256182.2, NM_001256183.2); short protein forms A618T.
Identifiers: ClinVar variation 587996 (VCV000587996.41), dbSNP rs140370885, ClinGen allele CA8242670.
Genomic context (GRCh38, chr16:89,284,690, plus strand): 5'-GTTTGTGTTTTGTTTTATGTTTTTTGACAACTTTCCCCTCCTTGTCCAGTTTGGGGACAG[C>T]GCCCTCCGCGCTGGACAGGAAGGGGCTCTTCTTCTCCGACAGGGAGGCTCGCTTCCTGTG-3'
Protein context (NP_037407.4, residues 608-628): KSPFLSSAEG[Ala618Thr]VPKLDKEGKV

ClinVar aggregate classification (germline): Benign/Likely benign. Review status: criteria provided, multiple submitters, no conflicts (2 of 4 stars). 9 submissions from 9 submitters: Benign (3); Likely benign (5). 1 of the submissions does not count toward it. Last evaluated 2026-08-01.

Conditions:
KBG syndrome (KBGS). Also called: ANKRD11-Related KBG Syndrome. Identifiers: Orphanet 2332, MedGen C0220687, MONDO:0007846, OMIM 148050.
Inborn genetic diseases. Identifiers: MedGen C0950123, MeSH D030342.
ANKRD11-related disorder. Also called: ANKRD11-related condition.

Allele frequency attached by ClinVar (database versions not stated): ESP Exome Variant Server 0.00038; gnomAD 0.00040 and 0.00042; TOPMed 0.00041; ExAC 0.00053.
gnomAD v4.1: 655 of 1,613,834 alleles (0.041%); highest among the groups gnomAD compares: Middle Eastern, 0.082%; no homozygotes.

Submissions (9):

CeGaT Center for Human Genetics Tuebingen
Classification: Likely benign. Last evaluated: 2026-08-01. Review status: criteria provided, single submitter. Criteria: CeGaT Center For Human Genetics Tuebingen Variant Classification Criteria Version 2. Collection method: clinical testing. Allele origin: germline. Affected: yes. Observed: 2 variant alleles.
Comment: ANKRD11: BP4, BS1

Labcorp Genetics (formerly Invitae), Labcorp
Classification: Benign for KBG syndrome. Last evaluated: 2025-10-17. Review status: criteria provided, single submitter. Criteria: Invitae Variant Classification Sherloc (09022015). Collection method: clinical testing. Allele origin: germline.

Blueprint Genetics
Classification: Likely benign. Last evaluated: 2024-07-22. Review status: criteria provided, single submitter. Criteria: ACMG Guidelines, 2015. Collection method: clinical testing. Allele origin: germline.

Genome-Nilou Lab
Classification: Benign for KBG syndrome. Last evaluated: 2021-12-05. Review status: criteria provided, single submitter. Criteria: ACMG Guidelines, 2015. Collection method: clinical testing. Allele origin: germline. Affected: no.

Ambry Genetics
Classification: Benign for Inborn genetic diseases. Last evaluated: 2021-09-08. Review status: criteria provided, single submitter. Criteria: Ambry Variant Classification Scheme 2023. Collection method: clinical testing. Allele origin: germline.

Fulgent Genetics
Classification: Likely benign for KBG syndrome. Last evaluated: 2021-09-01. Review status: criteria provided, single submitter. Criteria: ACMG Guidelines, 2015. Collection method: clinical testing. Allele origin: unknown.

GeneDx
Classification: Likely benign. Last evaluated: 2021-05-13. Review status: criteria provided, single submitter. Criteria: GeneDx Variant Classification Process June 2021. Collection method: clinical testing. Allele origin: germline. Affected: yes.

Breakthrough Genomics
Classification: Likely benign. Review status: criteria provided, single submitter. Criteria: ACMG Guidelines, 2015. Collection method: not provided. Allele origin: germline. Inheritance: Autosomal dominant inheritance. Affected: yes.

PreventionGenetics, part of Exact Sciences
Classification: Benign for ANKRD11-related condition. Last evaluated: 2021-01-05. Review status: no assertion criteria provided. Collection method: clinical testing. Allele origin: germline. Not counted in ClinVar's aggregate classification.
Comment: This variant is classified as benign based on ACMG/AMP sequence variant interpretation guidelines (Richards et al. 2015 PMID: 25741868, with internal and published modifications).